The following is an entry in ClinVar:

ClinVar aggregate classification (germline): Uncertain significance. Review status: criteria provided, multiple submitters, no conflicts (2 of 4 stars). 2 submissions from 2 submitters: Uncertain significance (2). Last evaluated 2025-09-07.

Submissions (2):

Labcorp Genetics (formerly Invitae), Labcorp
Classification: Uncertain significance. Last evaluated: 2025-09-07. Review status: criteria provided, single submitter. Criteria: Invitae Variant Classification Sherloc (09022015). Collection method: clinical testing. Allele origin: germline.
Comment: This sequence change creates a premature translational stop signal (p.Glu1174*) in the SAMD9 gene. While this is not anticipated to result in nonsense mediated decay, it is expected to disrupt the last 416 amino acid(s) of the SAMD9 protein. This variant is not present in population databases (gnomAD no frequency). This variant has not been reported in the literature in individuals affected with SAMD9-related conditions. In summary, the available evidence is currently insufficient to determine the role of this variant in disease. Therefore, it has been classified as a Variant of Uncertain Significance.

Blueprint Genetics
Classification: Uncertain significance. Last evaluated: 2021-07-26. Review status: criteria provided, single submitter. Criteria: ACMG Guidelines, 2015. Collection method: clinical testing. Allele origin: germline.

NM_017654.4(SAMD9):c.3520G>T (p.Glu1174Ter)

Gene: SAMD9 (sterile alpha motif domain containing 9; minus strand). Cytogenetic location: 7q21.2.
Variant type: single nucleotide variant.
Coding change: c.3520G>T on transcript NM_017654.4 (MANE Select); coding-DNA position 3520, G replaced by T.
Protein change: p.Glu1174Ter; replaces glutamic acid 1174 with a stop codon.
Molecular consequence: nonsense.
Genome position (GRCh38, 1-based): chr7:93,102,578, C>A on the plus strand (G>T on the coding strand, the complement: SAMD9 is on the minus strand). VCF-style: chr7-93102578-C-A. GRCh37 (hg19) VCF-style: chr7-92731891-C-A.
Other names: c.3520G>T, p.Glu1174Ter (NM_001193307.2); short protein forms E1174*.
Identifiers: ClinVar variation 4804283 (VCV004804283.2).